The following is an entry in ClinVar:

ClinVar aggregate classification (germline): Uncertain significance (1 of 4 stars; one submission).

Submission:

GeneDx
Classification: Uncertain significance. Last evaluated: 2022-09-12. Review status: criteria provided, single submitter. Criteria: GeneDx Variant Classification Process June 2021. Collection method: clinical testing. Allele origin: germline. Affected: yes.
Comment: Not observed at significant frequency in large population cohorts (gnomAD); In silico analysis supports that this missense variant does not alter protein structure/function; Has not been previously published as pathogenic or benign to our knowledge

NM_001372044.2(SHANK3):c.3004C>T (p.Pro1002Ser)

Gene: SHANK3 (SH3 and multiple ankyrin repeat domains 3; plus strand). Cytogenetic location: 22q13.33.
Variant type: single nucleotide variant.
Coding change: c.3004C>T on transcript NM_001372044.2 (MANE Select); coding-DNA position 3004, C replaced by T.
Protein change: p.Pro1002Ser; replaces proline 1002 with serine.
Molecular consequence: missense variant.
Genome position (GRCh38, 1-based): chr22:50,720,612, C>T. VCF-style: chr22-50720612-C-T. GRCh37 (hg19) VCF-style: chr22-51159040-C-T.
Other names: c.2779C>T, p.Pro927Ser (NM_033517.1); short protein forms P1002S, P927S.
Identifiers: ClinVar variation 2443448 (VCV002443448.1), dbSNP rs2083276114, ClinGen allele CA515259774.
Genomic context (GRCh38, chr22:50,720,612, plus strand): 5'-CGACCCCCGCCCGCGGCCACCCCGCCCGAGCGACCCAAGCGCCGGCCGCGGCCGCCCGGC[C>T]CCGACAGCCCCTACGCCAACCTGGGCGCCTTCAGCGCCAGCCTCTTCGCTCCGTCCAAGC-3'
Protein context (NP_001358973.1, residues 992-1012): RPKRRPRPPG[Pro1002Ser]DSPYANLGAF